The following is an entry in ClinVar:

NM_001145358.2(SIN3A):c.2723G>A (p.Arg908Gln)

Gene: SIN3A (SIN3 transcription regulator family member A; minus strand). Cytogenetic location: 15q24.2.
Variant type: single nucleotide variant.
Coding change: c.2723G>A on transcript NM_001145358.2 (MANE Select); coding-DNA position 2723, G replaced by A.
Protein change: p.Arg908Gln; replaces arginine 908 with glutamine.
Molecular consequence: missense variant.
Genome position (GRCh38, 1-based): chr15:75,392,370, C>T on the plus strand (G>A on the coding strand, the complement: SIN3A is on the minus strand). VCF-style: chr15-75392370-C-T. GRCh37 (hg19) VCF-style: chr15-75684711-C-T.
Other names: c.2723G>A, p.Arg908Gln (NM_001145357.2, NM_015477.3); short protein forms R908Q.
Identifiers: ClinVar variation 2875363 (VCV002875363.3), dbSNP rs749490401, ClinGen allele CA7667419.

ClinVar aggregate classification (germline): Uncertain significance (1 of 4 stars; one submission).

Allele frequency attached by ClinVar (database versions not stated): gnomAD exomes below 0.00001; ExAC 0.00001; gnomAD 0.00001; TOPMed 0.00001.
gnomAD v4.1: 2 of 1,614,094 alleles (0.00012%); highest among the groups gnomAD compares: Non-Finnish European, 0.00017%; no homozygotes.

Submission:

Labcorp Genetics (formerly Invitae), Labcorp
Classification: Uncertain significance. Last evaluated: 2023-07-14. Review status: criteria provided, single submitter. Criteria: Invitae Variant Classification Sherloc (09022015). Collection method: clinical testing. Allele origin: germline.
Comment: In summary, the available evidence is currently insufficient to determine the role of this variant in disease. Therefore, it has been classified as a Variant of Uncertain Significance. Advanced modeling of protein sequence and biophysical properties (such as structural, functional, and spatial information, amino acid conservation, physicochemical variation, residue mobility, and thermodynamic stability) performed at Invitae indicates that this missense variant is not expected to disrupt SIN3A protein function. This variant has not been reported in the literature in individuals affected with SIN3A-related conditions. This variant is present in population databases (rs749490401, gnomAD 0.0009%). This sequence change replaces arginine, which is basic and polar, with glutamine, which is neutral and polar, at codon 908 of the SIN3A protein (p.Arg908Gln).